The following is an entry in ClinVar:

NM_017802.4(DNAAF5):c.1813G>A (p.Val605Ile)

Gene: DNAAF5 (dynein axonemal assembly factor 5; plus strand). Cytogenetic location: 7p22.3.
Variant type: single nucleotide variant.
Coding change: c.1813G>A on transcript NM_017802.4 (MANE Select); coding-DNA position 1813, G replaced by A.
Protein change: p.Val605Ile; replaces valine 605 with isoleucine.
Molecular consequence: missense variant. On other transcripts: non-coding transcript variant (1).
Genome position (GRCh38, 1-based): chr7:770,500, G>A. VCF-style: chr7-770500-G-A. GRCh37 (hg19) VCF-style: chr7-810137-G-A.
Other names: short protein forms V605I.
Identifiers: ClinVar variation 636361 (VCV000636361.8), dbSNP rs572892623, ClinGen allele CA4110939.
Genomic context (GRCh38, chr7:770,500, plus strand): 5'-CGTGCACAGGAGCCTCTGTTGTGTCTTACAGGCCCTGCCCTGGGAGAAGCCCTGCCACAC[G>A]TCGTGCCCACGCTGAGGGCCTGTCTGCAGCCCTCCCAAGACCCGCAGATGCGCCTGAAGC-3'
Protein context (NP_060272.3, residues 595-615): GPALGEALPH[Val605Ile]VPTLRACLQP

ClinVar aggregate classification (germline): Conflicting classifications of pathogenicity. Review status: criteria provided, conflicting classifications (1 of 4 stars). 2 submissions from 2 submitters: Uncertain significance (1); Likely benign (1). Last evaluated 2026-07-22.

Conditions:
Primary ciliary dyskinesia. Also called: Ciliary dyskinesia. Identifiers: Orphanet 244, MedGen C0008780, MONDO:0016575, HP:0012265.

Allele frequency attached by ClinVar (database versions not stated): gnomAD exomes 0.00001 and 0.00002; ExAC 0.00004; TOPMed 0.00007; gnomAD 0.00011; 1000 Genomes Project 0.00020; 1000 Genomes Project 30x 0.00031.
gnomAD v4.1: 39 of 1,613,668 alleles (0.0024%); highest among the groups gnomAD compares: African/African-American, 0.032%; no homozygotes.

Submissions (2):

Ambry Genetics
Classification: Likely benign for Primary ciliary dyskinesia. Last evaluated: 2026-07-22. Review status: criteria provided, single submitter. Criteria: Ambry Variant Classification Scheme 2023. Collection method: clinical testing. Allele origin: germline.

Labcorp Genetics (formerly Invitae), Labcorp
Classification: Uncertain significance for Primary ciliary dyskinesia. Last evaluated: 2024-08-28. Review status: criteria provided, single submitter. Criteria: Invitae Variant Classification Sherloc (09022015). Collection method: clinical testing. Allele origin: germline.
Comment: This sequence change replaces valine, which is neutral and non-polar, with isoleucine, which is neutral and non-polar, at codon 605 of the DNAAF5 protein (p.Val605Ile). This variant is present in population databases (rs572892623, gnomAD 0.03%). This variant has not been reported in the literature in individuals affected with DNAAF5-related conditions. ClinVar contains an entry for this variant (Variation ID: 636361). Invitae Evidence Modeling of protein sequence and biophysical properties (such as structural, functional, and spatial information, amino acid conservation, physicochemical variation, residue mobility, and thermodynamic stability) indicates that this missense variant is not expected to disrupt DNAAF5 protein function with a negative predictive value of 80%. In summary, the available evidence is currently insufficient to determine the role of this variant in disease. Therefore, it has been classified as a Variant of Uncertain Significance.